The following is an entry in ClinVar:

ClinVar aggregate classification (germline): Uncertain significance (1 of 4 stars; one submission).

Conditions:
Pyogenic bacterial infections due to MyD88 deficiency (IMD68). Also called: PYOGENIC BACTERIAL INFECTIONS, RECURRENT, DUE TO MYD88 DEFICIENCY. Identifiers: Orphanet 183713, MedGen C2677092, MONDO:0012839, OMIM 612260.

Allele frequency attached by ClinVar (database versions not stated): TOPMed below 0.00001; gnomAD exomes 0.00001.

Submission:

Labcorp Genetics (formerly Invitae), Labcorp
Classification: Uncertain significance for Pyogenic bacterial infections due to MyD88 deficiency. Last evaluated: 2021-04-14. Review status: criteria provided, single submitter. Criteria: Invitae Variant Classification Sherloc (09022015). Collection method: clinical testing. Allele origin: germline.
Comment: This sequence change replaces proline with arginine at codon 34 of the MYD88 protein (p.Pro34Arg). The proline residue is highly conserved and there is a moderate physicochemical difference between proline and arginine. This variant is present in population databases (rs563686976, ExAC 0.009%). This variant has not been reported in the literature in individuals with MYD88-related conditions. Algorithms developed to predict the effect of missense changes on protein structure and function are either unavailable or do not agree on the potential impact of this missense change (SIFT: "Deleterious"; PolyPhen-2: "Possibly Damaging"; Align-GVGD: "Class C0"). In summary, the available evidence is currently insufficient to determine the role of this variant in disease. Therefore, it has been classified as a Variant of Uncertain Significance.

NM_002468.5(MYD88):c.62C>G (p.Pro21Arg)

Gene: MYD88 (MYD88 innate immune signal transduction adaptor; plus strand). Cytogenetic location: 3p22.2.
Variant type: single nucleotide variant.
Coding change: c.62C>G on transcript NM_002468.5 (MANE Select); coding-DNA position 62, C replaced by G.
Protein change: p.Pro21Arg; replaces proline 21 with arginine.
Molecular consequence: missense variant.
Genome position (GRCh38, 1-based): chr3:38,138,762, C>G. VCF-style: chr3-38138762-C-G. GRCh37 (hg19) VCF-style: chr3-38180253-C-G.
Other names: c.62C>G, p.Pro21Arg (NM_001172566.2, NM_001172567.2, NM_001172568.2 and 4 more transcripts); short protein forms P21R.
Identifiers: ClinVar variation 1345311 (VCV001345311.8), dbSNP rs563686976, ClinGen allele CA2316024.
Genomic context (GRCh38, chr3:38,138,762, plus strand): 5'-TGGCTGCAGGAGGTCCCGGCGCGGGGTCTGCGGCCCCGGTCTCCTCCACATCCTCCCTTC[C>G]CCTGGCTGCTCTCAACATGCGAGTGCGGCGCCGCCTGTCTCTGTTCTTGAACGTGCGGAC-3'
Protein context (NP_002459.3, residues 11-31): AAPVSSTSSL[Pro21Arg]LAALNMRVRR